The following is an entry in ClinVar:

ClinVar aggregate classification (germline): Uncertain significance. Review status: criteria provided, multiple submitters, no conflicts (2 of 4 stars). 3 submissions from 3 submitters: Uncertain significance (3). Last evaluated 2022-07-25.

Conditions:
Pierson syndrome. Also called: MICROCORIA-CONGENITAL NEPHROTIC SYNDROME. Identifiers: Orphanet 2670, MedGen C1836876, MONDO:0012184, OMIM 609049.
LAMB2-related infantile-onset nephrotic syndrome. Also called: NEPHROTIC SYNDROME, TYPE 5, WITHOUT OCULAR ABNORMALITIES; NEPHROTIC SYNDROME, TYPE 5, WITH OCULAR ABNORMALITIES; Nephrotic Syndrome, type 5. Identifiers: Orphanet 306507, MedGen C3280113, MONDO:0013621, OMIM 614199.
Inborn genetic diseases. Identifiers: MedGen C0950123, MeSH D030342.

Allele frequency attached by ClinVar (database versions not stated): ExAC 0.00001; TOPMed 0.00001; gnomAD exomes 0.00004.

Submissions (3):

Ambry Genetics
Classification: Uncertain significance for Inborn genetic diseases. Last evaluated: 2022-07-25. Review status: criteria provided, single submitter. Criteria: Ambry Variant Classification Scheme 2023. Collection method: clinical testing. Allele origin: germline.

Labcorp Genetics (formerly Invitae), Labcorp
Classification: Uncertain significance for LAMB2-related infantile-onset nephrotic syndrome; Pierson syndrome. Last evaluated: 2022-06-04. Review status: criteria provided, single submitter. Criteria: Invitae Variant Classification Sherloc (09022015). Collection method: clinical testing. Allele origin: germline.
Comment: This sequence change replaces alanine, which is neutral and non-polar, with threonine, which is neutral and polar, at codon 1253 of the LAMB2 protein (p.Ala1253Thr). This variant is present in population databases (rs141062242, gnomAD 0.01%). This variant has not been reported in the literature in individuals affected with LAMB2-related conditions. ClinVar contains an entry for this variant (Variation ID: 472479). Algorithms developed to predict the effect of missense changes on protein structure and function output the following: SIFT: "Tolerated"; PolyPhen-2: "Benign"; Align-GVGD: "Class C0". The threonine amino acid residue is found in multiple mammalian species, which suggests that this missense change does not adversely affect protein function. In summary, the available evidence is currently insufficient to determine the role of this variant in disease. Therefore, it has been classified as a Variant of Uncertain Significance.

Fulgent Genetics
Classification: Uncertain significance for Pierson syndrome; LAMB2-related infantile-onset nephrotic syndrome. Last evaluated: 2022-02-17. Review status: criteria provided, single submitter. Criteria: ACMG Guidelines, 2015. Collection method: clinical testing. Allele origin: unknown.

NM_002292.4(LAMB2):c.3757G>A (p.Ala1253Thr)

Gene: LAMB2 (laminin subunit beta 2; minus strand). Cytogenetic location: 3p21.31.
Variant type: single nucleotide variant.
Coding change: c.3757G>A on transcript NM_002292.4 (MANE Select); coding-DNA position 3757, G replaced by A.
Protein change: p.Ala1253Thr; replaces alanine 1253 with threonine.
Molecular consequence: missense variant.
Genome position (GRCh38, 1-based): chr3:49,123,768, C>T on the plus strand (G>A on the coding strand, the complement: LAMB2 is on the minus strand). VCF-style: chr3-49123768-C-T. GRCh37 (hg19) VCF-style: chr3-49161201-C-T.
Other names: short protein forms A1253T.
Identifiers: ClinVar variation 472479 (VCV000472479.6), dbSNP rs141062242, ClinGen allele CA2393971.
Genomic context (GRCh38, chr3:49,123,768, plus strand): 5'-ATTCTTAGGCCCTTCCGCACCGCAGCTCCTCTGTGGCCTCCACAAGCTGTGCAGTGGAGG[C>T]GGCTGAGGTGTTGCGGGCACCTACGATGCCCTGCACAATGCCCAGCTTCTCCTGCATGTG-3'
Protein context (NP_002283.3, residues 1243-1263): GIVGARNTSA[Ala1253Thr]STAQLVEATE